The following is an entry in ClinVar:

ClinVar aggregate classification (germline): Uncertain significance (1 of 4 stars; one submission).

Allele frequency attached by ClinVar (database versions not stated): gnomAD exomes below 0.00001; TOPMed below 0.00001; gnomAD 0.00001.
gnomAD v4.1: 6 of 1,613,982 alleles (0.00037%); highest among the groups gnomAD compares: African/African-American, 0.0013%; no homozygotes.

Submission:

Labcorp Genetics (formerly Invitae), Labcorp
Classification: Uncertain significance. Last evaluated: 2025-07-28. Review status: criteria provided, single submitter. Criteria: Invitae Variant Classification Sherloc (09022015). Collection method: clinical testing. Allele origin: germline.
Comment: This sequence change replaces alanine, which is neutral and non-polar, with threonine, which is neutral and polar, at codon 275 of the EIF2B4 protein (p.Ala275Thr). This variant is present in population databases (no rsID available, gnomAD 0.003%). This variant has not been reported in the literature in individuals affected with EIF2B4-related conditions. ClinVar contains an entry for this variant (Variation ID: 1360239). An algorithm developed to predict the effect of missense changes on protein structure and function (PolyPhen-2) suggests that this variant is likely to be disruptive. In summary, the available evidence is currently insufficient to determine the role of this variant in disease. Therefore, it has been classified as a Variant of Uncertain Significance.

NM_001034116.2(EIF2B4):c.826G>A (p.Ala276Thr)

Genes: EIF2B4 (eukaryotic translation initiation factor 2B subunit delta; minus strand), GTF3C2-AS2 (GTF3C2 antisense RNA 2; plus strand). Cytogenetic location: 2p23.3.
Variant type: single nucleotide variant.
Coding change: c.826G>A on transcript NM_001034116.2 (MANE Select); coding-DNA position 826, G replaced by A.
Protein change: p.Ala276Thr; replaces alanine 276 with threonine.
Molecular consequence: missense variant.
Genome position (GRCh38, 1-based): chr2:27,367,516, C>T on the plus strand (G>A on the coding strand, the complement: EIF2B4 is on the minus strand). VCF-style: chr2-27367516-C-T. GRCh37 (hg19) VCF-style: chr2-27590383-C-T.
Other names: c.889G>A, p.Ala297Thr (NM_001318965.2); c.781G>A, p.Ala261Thr (NM_001318966.2); c.733G>A, p.Ala245Thr (NM_001318967.2); c.241G>A, p.Ala81Thr (NM_001318968.2); c.208G>A, p.Ala70Thr (NM_001318969.2); c.823G>A, p.Ala275Thr (NM_015636.4); c.886G>A, p.Ala296Thr (NM_172195.4); short protein forms A275T, A276T, A297T, A296T, A81T, A245T, A261T, A70T.
Identifiers: ClinVar variation 1360239 (VCV001360239.6), dbSNP rs1308215203, ClinGen allele CA346199249.